The following is an entry in ClinVar:

ClinVar aggregate classification (germline): Uncertain significance (1 of 4 stars; one submission).

Allele frequency attached by ClinVar (database versions not stated): gnomAD exomes below 0.00001; TOPMed 0.00001.
gnomAD v4.1: 6 of 1,613,920 alleles (0.00037%); highest among the groups gnomAD compares: Middle Eastern, 0.016%; no homozygotes.

Submission:

Labcorp Genetics (formerly Invitae), Labcorp
Classification: Uncertain significance. Last evaluated: 2023-08-30. Review status: criteria provided, single submitter. Criteria: Invitae Variant Classification Sherloc (09022015). Collection method: clinical testing. Allele origin: germline.
Comment: This sequence change replaces threonine, which is neutral and polar, with alanine, which is neutral and non-polar, at codon 673 of the KANK1 protein (p.Thr673Ala). In summary, the available evidence is currently insufficient to determine the role of this variant in disease. Therefore, it has been classified as a Variant of Uncertain Significance. Advanced modeling of protein sequence and biophysical properties (such as structural, functional, and spatial information, amino acid conservation, physicochemical variation, residue mobility, and thermodynamic stability) has been performed at Invitae for this missense variant, however the output from this modeling did not meet the statistical confidence thresholds required to predict the impact of this variant on KANK1 protein function. ClinVar contains an entry for this variant (Variation ID: 1984304). This variant has not been reported in the literature in individuals affected with KANK1-related conditions. This variant is not present in population databases (gnomAD no frequency).

NM_015158.5(KANK1):c.2017A>G (p.Thr673Ala)

Gene: KANK1 (KN motif and ankyrin repeat domains 1; plus strand). Cytogenetic location: 9p24.3.
Variant type: single nucleotide variant.
Coding change: c.2017A>G on transcript NM_015158.5 (MANE Select); coding-DNA position 2017, A replaced by G.
Protein change: p.Thr673Ala; replaces threonine 673 with alanine.
Molecular consequence: missense variant. On other transcripts: non-coding transcript variant (1).
Genome position (GRCh38, 1-based): chr9:712,783, A>G. VCF-style: chr9-712783-A-G. GRCh37 (hg19) VCF-style: chr9-712783-A-G.
Other names: c.2017A>G, p.Thr673Ala (NM_001256876.3, NM_001256877.3, NM_001354331.2 and 2 more transcripts); c.1543A>G, p.Thr515Ala (NM_001354333.2, NM_001354335.2, NM_001354336.2 and 9 more transcripts); short protein forms T515A, T673A.
Identifiers: ClinVar variation 1984304 (VCV001984304.4), dbSNP rs1357275610, ClinGen allele CA372749419.